The following is an entry in ClinVar:

NM_004525.3(LRP2):c.11429G>A (p.Cys3810Tyr)

Gene: LRP2 (LDL receptor related protein 2; minus strand). Cytogenetic location: 2q31.1.
Variant type: single nucleotide variant.
Coding change: c.11429G>A on transcript NM_004525.3 (MANE Select); coding-DNA position 11429, G replaced by A.
Protein change: p.Cys3810Tyr; replaces cysteine 3810 with tyrosine.
Molecular consequence: missense variant.
Genome position (GRCh38, 1-based): chr2:169,169,770, C>T on the plus strand (G>A on the coding strand, the complement: LRP2 is on the minus strand). VCF-style: chr2-169169770-C-T. GRCh37 (hg19) VCF-style: chr2-170026280-C-T.
Other names: short protein forms C3810Y.
Identifiers: ClinVar variation 1999956 (VCV001999956.4), dbSNP rs2545716418, ClinGen allele CA349141822.

ClinVar aggregate classification (germline): Uncertain significance (1 of 4 stars; one submission).

Submission:

Labcorp Genetics (formerly Invitae), Labcorp
Classification: Uncertain significance. Last evaluated: 2022-05-28. Review status: criteria provided, single submitter. Criteria: Invitae Variant Classification Sherloc (09022015). Collection method: clinical testing. Allele origin: germline.
Comment: This variant has not been reported in the literature in individuals affected with LRP2-related conditions. This variant is not present in population databases (gnomAD no frequency). This sequence change replaces cysteine, which is neutral and slightly polar, with tyrosine, which is neutral and polar, at codon 3810 of the LRP2 protein (p.Cys3810Tyr). Advanced modeling of protein sequence and biophysical properties (such as structural, functional, and spatial information, amino acid conservation, physicochemical variation, residue mobility, and thermodynamic stability) performed at Invitae indicates that this missense variant is expected to disrupt LRP2 protein function. In summary, the available evidence is currently insufficient to determine the role of this variant in disease. Therefore, it has been classified as a Variant of Uncertain Significance.